The following is an entry in ClinVar:

NM_000431.4(MVK):c.227-660T>A

Gene: MVK (mevalonate kinase; plus strand). Cytogenetic location: 12q24.11.
Variant type: single nucleotide variant.
Coding change: c.227-660T>A on transcript NM_000431.4 (MANE Select); 660 bases into the intron before coding-DNA position 227, T replaced by A.
Molecular consequence: intron variant.
Genome position (GRCh38, 1-based): chr12:109,579,142, T>A. VCF-style: chr12-109579142-T-A. GRCh37 (hg19) VCF-style: chr12-110016947-T-A.
Other names: c.227-660T>A (NM_001414511.1, NM_001414512.1, NM_001414513.1 and 3 more transcripts); c.-356-660T>A (NM_001414515.1).
Identifiers: ClinVar variation 2628151 (VCV002628151.2), dbSNP rs7296044, ClinGen allele CA6779192.

ClinVar aggregate classification (germline): Benign (1 of 4 stars; one submission).

Allele frequency attached by ClinVar (database versions not stated): gnomAD exomes 0.43925; 1000 Genomes Project 30x 0.52436; gnomAD 0.56622; ExAC 0.56898; TOPMed 0.58061.
gnomAD v4.1: 177,881 of 361,232 alleles (49%); highest among the groups gnomAD compares: African/African-American, 72%; 40,715 homozygotes.

Submission:

Unidad de Genómica Garrahan, Hospital de Pediatría Garrahan
Classification: Benign. Last evaluated: 2023-11-12. Review status: criteria provided, single submitter. Criteria: ACMG Guidelines, 2015. Collection method: clinical testing. Allele origin: germline. Affected: no. Observed: 53 variant alleles.
Comment: This variant is classified as Benign based on local population frequency. This variant was detected in 55% of patients studied by a panel of primary immunodeficiencies. Number of patients: 53. Only high quality variants are reported.